The following is an entry in ClinVar:

ClinVar aggregate classification (germline): Benign (1 of 4 stars; one submission).

gnomAD v4.1: 409 of 398,506 alleles (0.1%); highest among the groups gnomAD compares: Non-Finnish European, 0.13%; no homozygotes.

Submission:

CeGaT Center for Human Genetics Tuebingen
Classification: Benign. Last evaluated: 2025-12-01. Review status: criteria provided, single submitter. Criteria: CeGaT Center For Human Genetics Tuebingen Variant Classification Criteria Version 2. Collection method: clinical testing. Allele origin: germline. Affected: yes. Observed: 5 variant alleles.
Comment: KCNQ1OT1: BS1, BS2

NM_000218.3(KCNQ1):c.1393+29785G>A

Genes: KCNQ1 (potassium voltage-gated channel subfamily Q member 1; plus strand), KCNQ1OT1 (KCNQ1 opposite strand/antisense transcript 1; minus strand). Cytogenetic location: 11p15.5.
Variant type: single nucleotide variant.
Coding change: c.1393+29785G>A on transcript NM_000218.3 (MANE Select); 29785 bases into the intron after coding-DNA position 1393, G replaced by A.
Molecular consequence: intron variant. On other transcripts: non-coding transcript variant (1).
Genome position (GRCh38, 1-based): chr11:2,618,639, G>A. VCF-style: chr11-2618639-G-A. GRCh37 (hg19) VCF-style: chr11-2639869-G-A.
Other names: c.1123+29785G>A (NM_001406837.1); c.1297+29785G>A (NM_001406836.1); c.853+29785G>A (NM_001406838.1); c.1012+29785G>A (NM_181798.2).
Identifiers: ClinVar variation 3898437 (VCV003898437.7).
Genomic context (GRCh38, chr11:2,618,639, plus strand): 5'-GACCATACTGTTTGATCAATAGTTTTGTAAAATAAACCAGAAAGTATGAAGTCTCCCTTT[G>A]TTTTTCAGAACAGAATTTTCAGAATTTCGTTGGCTACTTAAGGTTCTTGCTATTCCAAAT-3'